The following is an entry in ClinVar:

NM_004006.3(DMD):c.7992G>A (p.Glu2664=)

Gene: DMD (dystrophin; minus strand). Cytogenetic location: Xp21.1.
Variant type: single nucleotide variant.
Coding change: c.7992G>A on transcript NM_004006.3 (MANE Select); coding-DNA position 7992, G replaced by A.
Protein change: p.Glu2664=; no amino-acid change (glutamic acid 2664 retained).
Molecular consequence: synonymous variant.
Genome position (GRCh38, 1-based): chrX:31,658,025, C>T on the plus strand (G>A on the coding strand, the complement: DMD is on the minus strand). VCF-style: chrX-31658025-C-T. GRCh37 (hg19) VCF-style: chrX-31676142-C-T.
Other names: c.7968G>A, p.Glu2656= (NM_000109.4); c.7980G>A, p.Glu2660= (NM_004009.3); c.7623G>A, p.Glu2541= (NM_004010.3); c.3969G>A, p.Glu1323= (NM_004011.4); c.3960G>A, p.Glu1320= (NM_004012.4); c.612G>A, p.Glu204= (NM_004013.3, NM_004020.4, NM_004021.3 and 2 more transcripts).
Identifiers: ClinVar variation 1674768 (VCV001674768.17), dbSNP rs1402602960, ClinGen allele CA515859082.

ClinVar aggregate classification (germline): Likely benign. Review status: criteria provided, multiple submitters, no conflicts (2 of 4 stars). 3 submissions from 3 submitters: Likely benign (3). Last evaluated 2025-04-01.

Conditions:
Duchenne muscular dystrophy (DMD). Also called: MUSCULAR DYSTROPHY, PSEUDOHYPERTROPHIC PROGRESSIVE, DUCHENNE TYPE; Duchenne Muscular Dystrophy (DMD). Identifiers: Orphanet 98896, MedGen C0013264, MONDO:0010679, OMIM 310200.
Cardiovascular phenotype. Identifiers: MedGen CN230736.

Allele frequency attached by ClinVar (database versions not stated): gnomAD exomes below 0.00001 and 0.00001; gnomAD 0.00001.
gnomAD v4.1: 4 of 1,209,144 alleles (0.00033%); highest among the groups gnomAD compares: Middle Eastern, 0.023%; no homozygotes.

Submissions (3):

CeGaT Center for Human Genetics Tuebingen
Classification: Likely benign. Last evaluated: 2025-04-01. Review status: criteria provided, single submitter. Criteria: CeGaT Center For Human Genetics Tuebingen Variant Classification Criteria Version 2. Collection method: clinical testing. Allele origin: germline. Affected: yes. Observed: 1 variant allele.
Comment: DMD: BP4, BP7

Labcorp Genetics (formerly Invitae), Labcorp
Classification: Likely benign for Duchenne muscular dystrophy. Last evaluated: 2022-03-19. Review status: criteria provided, single submitter. Criteria: Invitae Variant Classification Sherloc (09022015). Collection method: clinical testing. Allele origin: germline.

Ambry Genetics
Classification: Likely benign for Cardiovascular phenotype. Last evaluated: 2020-03-14. Review status: criteria provided, single submitter. Criteria: Ambry Variant Classification Scheme 2023. Collection method: clinical testing. Allele origin: germline.